The following is an entry in ClinVar:

NM_004655.4(AXIN2):c.1529C>G (p.Thr510Arg)

Gene: AXIN2 (axin 2; minus strand). Cytogenetic location: 17q24.1.
Variant type: single nucleotide variant.
Coding change: c.1529C>G on transcript NM_004655.4 (MANE Select); coding-DNA position 1529, C replaced by G.
Protein change: p.Thr510Arg; replaces threonine 510 with arginine.
Molecular consequence: missense variant.
Genome position (GRCh38, 1-based): chr17:65,537,507, G>C on the plus strand (C>G on the coding strand, the complement: AXIN2 is on the minus strand). VCF-style: chr17-65537507-G-C. GRCh37 (hg19) VCF-style: chr17-63533625-G-C.
Other names: c.1529C>G, p.Thr510Arg (NM_001363813.1); short protein forms T510R.
Identifiers: ClinVar variation 2038620 (VCV002038620.4), dbSNP rs367938045, ClinGen allele CA400677326.

ClinVar aggregate classification (germline): Uncertain significance (1 of 4 stars; one submission).

Conditions:
Oligodontia-cancer predisposition syndrome. Also called: TOOTH AGENESIS-COLORECTAL CANCER SYNDROME. Identifiers: Orphanet 300576, MedGen C1837750, MONDO:0012075, OMIM 608615. Disease mechanism: loss of function.

Submission:

Labcorp Genetics (formerly Invitae), Labcorp
Classification: Uncertain significance for Oligodontia-cancer predisposition syndrome. Last evaluated: 2022-01-10. Review status: criteria provided, single submitter. Criteria: Invitae Variant Classification Sherloc (09022015). Collection method: clinical testing. Allele origin: germline.
Comment: This variant is not present in population databases (gnomAD no frequency). This variant has not been reported in the literature in individuals affected with AXIN2-related conditions. Algorithms developed to predict the effect of missense changes on protein structure and function are either unavailable or do not agree on the potential impact of this missense change (SIFT: "Deleterious"; PolyPhen-2: "Possibly Damaging"; Align-GVGD: "Class C0"). In summary, the available evidence is currently insufficient to determine the role of this variant in disease. Therefore, it has been classified as a Variant of Uncertain Significance. This sequence change replaces threonine, which is neutral and polar, with arginine, which is basic and polar, at codon 510 of the AXIN2 protein (p.Thr510Arg).